The following is an entry in ClinVar:

NM_003002.4(SDHD):c.377C>T (p.Ala126Val)

Gene: SDHD (succinate dehydrogenase complex subunit D; plus strand). Cytogenetic location: 11q23.1.
Variant type: single nucleotide variant.
Coding change: c.377C>T on transcript NM_003002.4 (MANE Select); coding-DNA position 377, C replaced by T.
Protein change: p.Ala126Val; replaces alanine 126 with valine.
Molecular consequence: missense variant. On other transcripts: nonsense (1), 3 prime UTR variant (1), non-coding transcript variant (1).
Genome position (GRCh38, 1-based): chr11:112,094,867, C>T. VCF-style: chr11-112094867-C-T. GRCh37 (hg19) VCF-style: chr11-111965591-C-T.
Other names: c.232C>T, p.Gln78Ter (NM_001276503.2); c.260C>T, p.Ala87Val (NM_001276504.2); c.*75C>T (NM_001276506.2); short protein forms Q78*, A87V, A126V.
Identifiers: ClinVar variation 1965256 (VCV001965256.5), dbSNP rs2498917452, ClinGen allele CA382619072.
Genomic context (GRCh38, chr11:112,094,867, plus strand): 5'-GCCTTGGACAAGTTGTTACTGACTATGTTCATGGGGATGCCTTGCAGAAAGCTGCCAAGG[C>T]AGGGCTTTTGGCACTTTCAGCTTTAACCTTTGCTGGGCTTTGCTATTTCAACTATCACGA-3'
Protein context (NP_002993.1, residues 116-136): HGDALQKAAK[Ala126Val]GLLALSALTF

ClinVar aggregate classification (germline): Uncertain significance (1 of 4 stars; one submission).

Conditions:
Pheochromocytoma. Also called: MAX-Related Hereditary Paraganglioma-Pheochromocytoma Syndrome. Identifiers: Orphanet 29072, MedGen C0031511, MONDO:0008233, OMIM 171300, HP:0002666.
Cowden syndrome 3 (CWS3). Identifiers: Orphanet 201, MedGen CN166604, MONDO:0014045.
Carney-Stratakis syndrome. Also called: PARAGANGLIOMA AND GASTROINTESTINAL STROMAL TUMOR. Identifiers: Orphanet 97286, MedGen C1847319, MONDO:0011740, OMIM 606864.
Paragangliomas with sensorineural hearing loss. Identifiers: MedGen C1868633.

Allele frequency attached by ClinVar (database versions not stated): gnomAD exomes below 0.00001.
gnomAD v4.1: 2 of 1,611,912 alleles (0.00012%); highest among the groups gnomAD compares: South Asian, 0.0022%; no homozygotes.

Submission:

Labcorp Genetics (formerly Invitae), Labcorp
Classification: Uncertain significance for Carney-Stratakis syndrome; Paragangliomas with sensorineural hearing loss; Pheochromocytoma; Cowden syndrome 3. Last evaluated: 2022-08-03. Review status: criteria provided, single submitter. Criteria: Invitae Variant Classification Sherloc (09022015). Collection method: clinical testing. Allele origin: germline.
Comment: In summary, the available evidence is currently insufficient to determine the role of this variant in disease. Therefore, it has been classified as a Variant of Uncertain Significance. Advanced modeling of protein sequence and biophysical properties (such as structural, functional, and spatial information, amino acid conservation, physicochemical variation, residue mobility, and thermodynamic stability) performed at Invitae indicates that this missense variant is not expected to disrupt SDHD protein function. This variant has not been reported in the literature in individuals affected with SDHD-related conditions. This variant is not present in population databases (gnomAD no frequency). This sequence change replaces alanine, which is neutral and non-polar, with valine, which is neutral and non-polar, at codon 126 of the SDHD protein (p.Ala126Val).